The following is an entry in ClinVar:

ClinVar aggregate classification (germline): Benign (1 of 4 stars; one submission).

Conditions:
Familial adenomatous polyposis 1 (FAP1). Also called: POLYPOSIS, ADENOMATOUS INTESTINAL; FAMILIAL ADENOMATOUS POLYPOSIS 1, ATTENUATED. Identifiers: MedGen C2713442, MONDO:0021056, OMIM 175100. Disease mechanism: loss of function.

Allele frequency attached by ClinVar (database versions not stated): gnomAD exomes below 0.00001; ExAC 0.00005.
gnomAD v4.1: 4 of 1,576,196 alleles (0.00025%); highest among the groups gnomAD compares: Admixed American, 0.0069%; no homozygotes.

Submission:

Myriad Genetics, Inc.
Classification: Benign for Familial adenomatous polyposis 1. Last evaluated: 2024-03-08. Review status: criteria provided, single submitter. Criteria: Myriad Autosomal Dominant, Autosomal Recessive and X-Linked Classification Criteria (2023). Collection method: clinical testing. Allele origin: unknown.
Comment: This variant is considered benign. This variant is intronic and is not expected to impact mRNA splicing.

NM_000038.6(APC):c.1958+23C>T

Gene: APC (APC regulator of Wnt signaling pathway; plus strand). Cytogenetic location: 5q22.2.
Variant type: single nucleotide variant.
Coding change: c.1958+23C>T on transcript NM_000038.6 (MANE Select); 23 bases into the intron after coding-DNA position 1958, C replaced by T.
Molecular consequence: intron variant.
Genome position (GRCh38, 1-based): chr5:112,835,188, C>T. VCF-style: chr5-112835188-C-T. GRCh37 (hg19) VCF-style: chr5-112170885-C-T.
Other names: c.1109+23C>T (NM_001407470.1, NM_001354906.2); c.806+23C>T (NM_001407472.1, NM_001407471.1); c.2012+23C>T (NM_001407447.1, NM_001407448.1, NM_001407449.1 and 1 more transcripts); c.1958+23C>T (NM_001354895.2, NM_001407450.1, NM_001127510.3); c.1709+23C>T (NM_001407456.1, NM_001407457.1, NM_001407455.1 and 1 more transcripts); c.1655+23C>T (NM_001407460.1, NM_001407458.1, NM_001407459.1 and 1 more transcripts); c.1928+23C>T (NM_001407452.1); c.1571+23C>T (NM_001407469.1, NM_001407467.1); and 11 more.
Identifiers: ClinVar variation 3148067 (VCV003148067.1), dbSNP rs755446528, ClinGen allele CA030085.
Genomic context (GRCh38, chr5:112,835,188, plus strand): 5'-AATGTGTCCAGCTTGATAGCTACAAATGAGGACCACAGGTATATATAGAGTTTTATATTA[C>T]TTTTAAAGTACAGAATTCATACTCTCAAAAAGACCTAATTGTAAGCAATGTTTTATATAA-3'